The following is an entry in ClinVar:

ClinVar aggregate classification (germline): Uncertain significance (1 of 4 stars; one submission).

Conditions:
Autosomal recessive ataxia, Beauce type. Also called: SYNE1-Related Autosomal Recessive Cerebellar Ataxia; Spinocerebellar ataxia, autosomal recessive 8; ATAXIA, RECESSIVE, OF BEAUCE; SYNE1 Deficiency. Identifiers: Orphanet 88644, MedGen C1853116, MONDO:0012549, OMIM 610743.
Emery-Dreifuss muscular dystrophy 4, autosomal dominant (EDMD4). Also called: EMERY-DREIFUSS MUSCULAR DYSTROPHY 4 WITH VARIABLE FEATURES. Identifiers: Orphanet 261, MedGen C2751807, MONDO:0013071, OMIM 612998.

Submission:

Labcorp Genetics (formerly Invitae), Labcorp
Classification: Uncertain significance for Emery-Dreifuss muscular dystrophy 4, autosomal dominant; Autosomal recessive ataxia, Beauce type. Last evaluated: 2024-02-23. Review status: criteria provided, single submitter. Criteria: Invitae Variant Classification Sherloc (09022015). Collection method: clinical testing. Allele origin: germline.
Comment: This sequence change replaces serine, which is neutral and polar, with asparagine, which is neutral and polar, at codon 8221 of the SYNE1 protein (p.Ser8221Asn). This variant is not present in population databases (gnomAD no frequency). This variant has not been reported in the literature in individuals affected with SYNE1-related conditions. ClinVar contains an entry for this variant (Variation ID: 1491975). An algorithm developed to predict the effect of missense changes on protein structure and function (PolyPhen-2) suggests that this variant is likely to be disruptive. In summary, the available evidence is currently insufficient to determine the role of this variant in disease. Therefore, it has been classified as a Variant of Uncertain Significance.

NM_182961.4(SYNE1):c.24875G>A (p.Ser8292Asn)

Gene: SYNE1 (spectrin repeat containing nuclear envelope protein 1; minus strand). Cytogenetic location: 6q25.2.
Variant type: single nucleotide variant.
Coding change: c.24875G>A on transcript NM_182961.4 (MANE Select); coding-DNA position 24875, G replaced by A.
Protein change: p.Ser8292Asn; replaces serine 8292 with asparagine.
Molecular consequence: missense variant.
Genome position (GRCh38, 1-based): chr6:152,148,146, C>T on the plus strand (G>A on the coding strand, the complement: SYNE1 is on the minus strand). VCF-style: chr6-152148146-C-T. GRCh37 (hg19) VCF-style: chr6-152469281-C-T.
Other names: c.1481G>A, p.Ser494Asn (NM_001347701.2); c.1340G>A, p.Ser447Asn (NM_001347702.2); c.24662G>A, p.Ser8221Asn (NM_033071.5); short protein forms S447N, S494N, S8221N, S8292N.
Identifiers: ClinVar variation 1491975 (VCV001491975.8), dbSNP rs754883031, ClinGen allele CA366085079.
Genomic context (GRCh38, chr6:152,148,146, plus strand): 5'-TCCTGACCTTCTTCATCCTCAGAGGGCAGAGCTCTGGACATTGCAGACTCCAGGTCCCGA[C>T]TGAGGTCATAGTCGTGATCCCACTCCAGGGGGATGGAGTCCACACTAGCCGGGGTGTCTC-3'
Protein context (NP_892006.3, residues 8282-8302): PLEWDHDYDL[Ser8292Asn]RDLESAMSRA